The following is an entry in ClinVar:

ClinVar aggregate classification (germline): Likely pathogenic (1 of 4 stars; one submission).

Allele frequency attached by ClinVar (database versions not stated): TOPMed 0.00001.

Submission:

GeneDx
Classification: Likely pathogenic. Last evaluated: 2016-08-12. Review status: criteria provided, single submitter. Criteria: GeneDx Variant Classification (06012015). Collection method: clinical testing. Allele origin: germline. Affected: yes.
Comment: The c.1200-1G>C variant in the CD36 gene has not been reported previously as a pathogenic variant nor as a benign variant, to our knowledge. This splice site variant destroys the canonical splice acceptor site in intron 12. It is predicted to cause abnormal gene splicing, either leading to an abnormal message that is subject to nonsense-mediated mRNA decay, or to an abnormal protein product if the message is used for protein translation. The c.1200-1G>C variant was not observed in approximately 6,500 individuals of European and African American ancestry in the NHLBI Exome Sequencing Project, indicating it is not a common benign variant in these populations. The c.1200-1G>C variant is a strong candidate for a pathogenic variant; however, the possibility it may be a rare benign variant cannot be excluded.

NM_001001548.3(CD36):c.1200-1G>C

Gene: CD36 (CD36 molecule (CD36 blood group); plus strand). Cytogenetic location: 7q21.11.
Variant type: single nucleotide variant.
Coding change: c.1200-1G>C on transcript NM_001001548.3 (MANE Select); the canonical splice acceptor site of the intron before coding-DNA position 1200, G replaced by C.
Molecular consequence: splice acceptor variant.
Genome position (GRCh38, 1-based): chr7:80,673,354, G>C. VCF-style: chr7-80673354-G-C. GRCh37 (hg19) VCF-style: chr7-80302670-G-C.
Other names: c.1200-1G>C (NM_001371075.1, NM_001001547.3, NM_001371074.1 and 5 more transcripts); c.735-1G>C (NM_001371081.1, NM_001371080.1); c.972-1G>C (NM_001289911.2); c.1098-1G>C (NM_001371079.1); c.1020-1G>C (NM_001289909.1); c.1083-1G>C (NM_001289908.1).
Identifiers: ClinVar variation 421708 (VCV000421708.2), dbSNP rs1064795310, ClinGen allele CA16618564.
Genomic context (GRCh38, chr7:80,673,354, plus strand): 5'-AAGTTTGTTATATATAAATATTAGTTTATATGTTCATAATTATTTTCAACGTATATTACA[G>C]AGTATTAAAGAATCTGAAGAGGAACTATATTGTGCCTATTCTTTGGCTTAATGAGGTTTG-3'